The following is an entry in ClinVar:

NM_000500.9(CYP21A2):c.1298C>T (p.Pro433Leu)

Genes: CYP21A2 (cytochrome P450 family 21 subfamily A member 2; plus strand), LOC106780800 (CYP21A2 recombination region; plus strand). Cytogenetic location: 6p21.33.
Variant type: single nucleotide variant.
Coding change: c.1298C>T on transcript NM_000500.9 (MANE Select); coding-DNA position 1298, C replaced by T.
Protein change: p.Pro433Leu; replaces proline 433 with leucine.
Molecular consequence: missense variant.
Genome position (GRCh38, 1-based): chr6:32,040,944, C>T. VCF-style: chr6-32040944-C-T. GRCh37 (hg19) VCF-style: chr6-32008721-C-T.
Other names: c.1208C>T, p.Pro403Leu (NM_001128590.4); c.893C>T, p.Pro298Leu (NM_001368143.2, NM_001368144.2); short protein forms P298L, P403L, P433L.
Identifiers: ClinVar variation 2627163 (VCV002627163.1), dbSNP rs751456004, ClinGen allele CA3732717.

ClinVar aggregate classification (germline): Likely pathogenic (1 of 4 stars; one submission).

Conditions:
Congenital adrenal hyperplasia. Identifiers: Orphanet 418, MedGen C0001627, MONDO:0018479, HP:0008258.

Allele frequency attached by ClinVar (database versions not stated): gnomAD 0.00001; ExAC 0.00009.

Submission:

Women's Health and Genetics/Laboratory Corporation of America, LabCorp
Classification: Likely pathogenic for Congenital adrenal hyperplasia. Last evaluated: 2023-09-01. Review status: criteria provided, single submitter. Criteria: LabCorp Variant Classification Summary - May 2015. Collection method: clinical testing. Allele origin: germline.
Comment: Variant summary: CYP21A2 c.1298C>T (p.Pro433Leu) results in a non-conservative amino acid change in the encoded protein sequence. Three of five in-silico tools predict a damaging effect of the variant on protein function. The variant allele was found at a frequency of 3e-05 in 134074 control chromosomes (gnomAD). c.1298C>T has been reported in the literature in at least one individual affected with Congenital Adrenal Hyperplasia (Carvalho_2012, Baumgartner-Parzer_2020, Prado_2021). These data do not allow any conclusion about variant significance. At least one invitro enzyme analysis reported this variant presented activity 7.5% of the WT activity (Prado_2021). The following publications have been ascertained in the context of this evaluation (PMID: 32616876, 23073904, 23359706, 26172259, 35008721). No submitters have cited clinical-significance assessments for this variant to ClinVar after 2014. Based on the evidence outlined above, the variant was classified as likely pathogenic.

Literature cited by the submitters: PubMed 32616876; PubMed 23359706; PubMed 26172259; PubMed 23073904; PubMed 35008721.